The following is an entry in ClinVar:

NM_000059.4(BRCA2):c.8002_8008dup (p.Ser2670Ter)

Gene: BRCA2 (BRCA2 DNA repair associated; plus strand). Cytogenetic location: 13q13.1.
Variant type: Duplication.
Coding change: c.8002_8008dup on transcript NM_000059.4 (MANE Select); coding-DNA positions 8002 to 8008, 7 bases duplicated (AGAAGAT; older notation c.8002_8008dupAGAAGAT).
Protein change: p.Ser2670Ter; replaces serine 2670 with a stop codon.
Molecular consequence: nonsense.
Genome position (GRCh38, 1-based): chr13:32,363,204-32,363,210, AGAAGAT duplicated. VCF-style (leftmost placement, unchanged base first): chr13-32363203-C-CAGAAGAT. GRCh37 (hg19) VCF-style: chr13-32937340-C-CAGAAGAT.
Other names: 8236_8236dupAGAAGAT; c.8002_8008dupAGAAGAT (NM_000059.3); short protein forms S2670*.
Identifiers: ClinVar variation 52469 (VCV000052469.7), dbSNP rs397507951, ClinGen allele CA025399.
Genomic context (GRCh38, chr13:32,363,203, plus strand): 5'-ACTTCCTAAAATATGCATTTTTGTTTTCACTTTTAGATATGATACGGAAATTGATAGAAG[C>CAGAAGAT]AGAAGATCGGCTATAAAAAAGATAATGGAAAGGGATGACACAGCTGCAAAAACACTTGTT-3'

ClinVar aggregate classification (germline): Pathogenic. Review status: reviewed by expert panel (3 of 4 stars). 2 submissions from 2 submitters: Pathogenic (1). 1 of the submissions does not count toward it. Last evaluated 2016-10-18.

Conditions:
Breast-ovarian cancer, familial, susceptibility to, 2 (BROVCA2). Also called: BRCA2 Hereditary Breast and Ovarian Cancer. Identifiers: Orphanet 145, MedGen C2675520, MONDO:0012933, OMIM 612555. Disease mechanism: loss of function.

Submissions (2):

Evidence-based Network for the Interpretation of Germline Mutant Alleles (ENIGMA)
Classification: Pathogenic for Breast-ovarian cancer, familial, susceptibility to, 2. Last evaluated: 2016-10-18. Review status: reviewed by expert panel. Criteria: ENIGMA BRCA1/2 Classification Criteria (2015). Collection method: curation. Allele origin: germline.
Comment: Variant allele predicted to encode a truncated non-functional protein.

Consortium of Investigators of Modifiers of BRCA1/2 (CIMBA), c/o University of Cambridge
Classification: Pathogenic for Breast-ovarian cancer, familial, susceptibility to, 2. Last evaluated: 2015-10-02. Review status: criteria provided, single submitter. Criteria: CIMBA Mutation Classification guidelines May 2016. Collection method: clinical testing. Allele origin: germline. Not counted in ClinVar's aggregate classification.